The following is an entry in ClinVar:

ClinVar aggregate classification (germline): Uncertain significance (1 of 4 stars; one submission).

Submission:

GeneDx
Classification: Uncertain significance. Last evaluated: 2025-06-11. Review status: criteria provided, single submitter. Criteria: GeneDx Variant Classification Process June 2021. Collection method: clinical testing. Allele origin: germline. Affected: yes.
Comment: Not observed at significant frequency in large population cohorts (gnomAD); In silico analysis supports that this missense variant has a deleterious effect on protein structure/function; Has not been previously published as pathogenic or benign to our knowledge

NM_205768.3(ZBTB18):c.113T>C (p.Leu38Pro)

Gene: ZBTB18 (zinc finger and BTB domain containing 18; plus strand). Cytogenetic location: 1q44.
Variant type: single nucleotide variant.
Coding change: c.113T>C on transcript NM_205768.3 (MANE Select); coding-DNA position 113, T replaced by C.
Protein change: p.Leu38Pro; replaces leucine 38 with proline.
Molecular consequence: missense variant.
Genome position (GRCh38, 1-based): chr1:244,053,887, T>C. VCF-style: chr1-244053887-T-C. GRCh37 (hg19) VCF-style: chr1-244217189-T-C.
Other names: c.86T>C, p.Leu29Pro (NM_001278196.2, NM_006352.5); c.113T>C, p.Leu38Pro (NM_001421566.1); short protein forms L29P, L38P.
Identifiers: ClinVar variation 4537528 (VCV004537528.1).
Genomic context (GRCh38, chr1:244,053,887, plus strand): 5'-ATTTGCTACAGTGTCTGAGCGAGCAGAGACACCAGGGTTTTCTTTGTGACTGCACTGTTC[T>C]GGTGGGAGATGCCCAGTTCCGAGCGCACCGAGCTGTACTGGCTTCATGCAGCATGTATTT-3'
Protein context (NP_991331.1, residues 28-48): HQGFLCDCTV[Leu38Pro]VGDAQFRAHR